The following is an entry in ClinVar:

NM_022455.5(NSD1):c.6072G>C (p.Gln2024His)

Gene: NSD1 (nuclear receptor binding SET domain protein 1; plus strand). Cytogenetic location: 5q35.3.
Variant type: single nucleotide variant.
Coding change: c.6072G>C on transcript NM_022455.5 (MANE Select); coding-DNA position 6072, G replaced by C.
Protein change: p.Gln2024His; replaces glutamine 2024 with histidine.
Molecular consequence: missense variant. On other transcripts: intron variant (1).
Genome position (GRCh38, 1-based): chr5:177,283,849, G>C. VCF-style: chr5-177283849-G-C. GRCh37 (hg19) VCF-style: chr5-176710850-G-C.
Other names: c.5199G>C, p.Gln1733His (NM_001365684.2, NM_001409308.1, NM_172349.5); c.6072G>C, p.Gln2024His (NM_001409301.1, NM_001409302.1, NM_001409303.1); c.5652G>C, p.Gln1884His (NM_001409304.1); c.5319G>C, p.Gln1773His (NM_001409305.1); c.5310G>C, p.Gln1770His (NM_001409306.1, NM_001409307.1); c.5136+1268G>C (NM_001409309.1); short protein forms Q1733H, Q1770H, Q1773H, Q1884H, Q2024H.
Identifiers: ClinVar variation 4855814 (VCV004855814.1).

ClinVar aggregate classification (germline): Uncertain significance (1 of 4 stars; one submission).

Conditions:
Sotos syndrome (SOTOS). Also called: CHROMOSOME 5q35 DELETION SYNDROME; CEREBRAL GIGANTISM; Sotos' syndrome; Distinctive facial appearance, overgrowth in childhood, and learning disabilities or delayed development; SOTOS SYNDROME 1. Identifiers: Orphanet 821, MedGen C0175695, MONDO:0019349, OMIM 117550.

Submission:

3billion
Classification: Uncertain significance for Sotos syndrome. Last evaluated: 2025-08-19. Review status: criteria provided, single submitter. Criteria: ACMG Guidelines, 2015. Collection method: clinical testing. Allele origin: germline. Affected: yes.
Comment: The variant is not observed in the gnomAD v4.1.0 dataset. Predicted Consequence/Location: Missense variant In silico tool predictions suggest damaging effect of the variant on gene or gene product [REVEL: 0.72 (>=0.6, sensitivity 0.68 and specificity 0.92); 3Cnet: 0.99 (> 0.75, sensitivity 0.96 and precision 0.92)]. Therefore, this variant is classified as VUS according to the recommendation of ACMG/AMP guideline.